The following is an entry in ClinVar:

NM_016239.4(MYO15A):c.7473+2T>G

Gene: MYO15A (myosin XVA; plus strand). Cytogenetic location: 17p11.2.
Variant type: single nucleotide variant.
Coding change: c.7473+2T>G on transcript NM_016239.4 (MANE Select); the canonical splice donor site of the intron after coding-DNA position 7473, T replaced by G.
Molecular consequence: splice donor variant.
Genome position (GRCh38, 1-based): chr17:18,150,915, T>G. VCF-style: chr17-18150915-T-G. GRCh37 (hg19) VCF-style: chr17-18054229-T-G.
Identifiers: ClinVar variation 1914507 (VCV001914507.6), dbSNP rs1475492059, ClinGen allele CA398618592.
Genomic context (GRCh38, chr17:18,150,915, plus strand): 5'-AGGCCACGGCACTCCAGCAGCAGCCCCTGAGTGCTGCCCTGAGATCCTTGCCCGCAGAGG[T>G]GAGCCTGGCCTGCCCAGGGTGCAGGGGTTGCTTGGAGACACAAGCTGTAAAGAGGAATGC-3'

ClinVar aggregate classification (germline): Likely pathogenic. Review status: criteria provided, multiple submitters, no conflicts (2 of 4 stars). 2 submissions from 2 submitters: Likely pathogenic (2). Last evaluated 2024-05-14.

Conditions:
Autosomal recessive nonsyndromic hearing loss 3. Also called: NEUROSENSORY NONSYNDROMIC RECESSIVE DEAFNESS 3. Identifiers: Orphanet 90636, MedGen C1838263, MONDO:0010860, OMIM 600316.

Allele frequency attached by ClinVar (database versions not stated): gnomAD exomes 0.00001; TOPMed 0.00001; gnomAD 0.00002.
gnomAD v4.1: 7 of 1,603,184 alleles (0.00044%); highest among the groups gnomAD compares: African/African-American, 0.0054%; no homozygotes.

Submissions (2):

Fulgent Genetics
Classification: Likely pathogenic for Autosomal recessive nonsyndromic hearing loss 3. Last evaluated: 2024-05-14. Review status: criteria provided, single submitter. Criteria: ACMG Guidelines, 2015. Collection method: clinical testing. Allele origin: germline.

Labcorp Genetics (formerly Invitae), Labcorp
Classification: Likely pathogenic. Last evaluated: 2023-05-02. Review status: criteria provided, single submitter. Criteria: Invitae Variant Classification Sherloc (09022015). Collection method: clinical testing. Allele origin: germline.
Comment: In summary, the currently available evidence indicates that the variant is pathogenic, but additional data are needed to prove that conclusively. Therefore, this variant has been classified as Likely Pathogenic. Algorithms developed to predict the effect of sequence changes on RNA splicing suggest that this variant may disrupt the consensus splice site. ClinVar contains an entry for this variant (Variation ID: 1914507). This variant has not been reported in the literature in individuals affected with MYO15A-related conditions. This variant is present in population databases (no rsID available, gnomAD 0.001%). This sequence change affects a donor splice site in intron 38 of the MYO15A gene. It is expected to disrupt RNA splicing. Variants that disrupt the donor or acceptor splice site typically lead to a loss of protein function (PMID: 16199547), and loss-of-function variants in MYO15A are known to be pathogenic (PMID: 17546645).

Literature cited by the submitters: PubMed 16199547 (cited by Labcorp Genetics (formerly Invitae), Labcorp); PubMed 17546645 (cited by Labcorp Genetics (formerly Invitae), Labcorp).